The following is an entry in ClinVar:

ClinVar aggregate classification (germline): Pathogenic. Review status: criteria provided, multiple submitters, no conflicts (2 of 4 stars). 3 submissions from 2 submitters: Pathogenic (2). 1 of the submissions does not count toward it. Last evaluated 2024-09-03.

Conditions:
Retinal dystrophy. Also called: Inherited retinal dystrophy. Identifiers: Orphanet 71862, MedGen C0854723, MeSH D058499, MONDO:0019118, HP:0000556.
Retinitis pigmentosa 3. Also called: CHOROIDORETINAL DEGENERATION WITH RETINAL REFLEX IN HETEROZYGOUS WOMEN. Identifiers: Orphanet 791, MedGen C1845667, MONDO:0010227, OMIM 300029.
Primary ciliary dyskinesia. Also called: Ciliary dyskinesia. Identifiers: Orphanet 244, MedGen C0008780, MONDO:0016575, HP:0012265.

Submissions (3):

Labcorp Genetics (formerly Invitae), Labcorp
Classification: Pathogenic for Primary ciliary dyskinesia. Last evaluated: 2024-09-03. Review status: criteria provided, single submitter. Criteria: Invitae Variant Classification Sherloc (09022015). Collection method: clinical testing. Allele origin: germline.
Comment: This sequence change creates a premature translational stop signal (p.Glu965Glyfs*113) in the RPGR (ORF15) gene. While this is not anticipated to result in nonsense mediated decay, it is expected to disrupt the last 188 amino acid(s) of the RPGR (ORF15) protein. This variant is not present in population databases (gnomAD no frequency). This premature translational stop signal has been observed in individuals with retinitis pigmentosa (PMID: 17195164, 27620828). ClinVar contains an entry for this variant (Variation ID: 867138). This variant disrupts a region of the RPGR (ORF15) protein in which other variant(s) (p.Leu1130Lysfs*13) have been determined to be pathogenic (PMID: 22264887; internal data). This suggests that this is a clinically significant region of the protein, and that variants that disrupt it are likely to be disease-causing. For these reasons, this variant has been classified as Pathogenic.

Blueprint Genetics
Classification: Pathogenic for Retinal dystrophy. Last evaluated: 2019-04-19. Review status: criteria provided, single submitter. Criteria: Blueprint Genetics Variant Classification Scheme. Collection method: clinical testing. Allele origin: germline. Affected: yes.

Blueprint Genetics
Classification: Pathogenic for Retinitis pigmentosa 3. Review status: no assertion criteria provided. Collection method: clinical testing. Allele origin: germline. Affected: yes. Not counted in ClinVar's aggregate classification.

Literature cited by the submitters: PubMed 17195164 (cited by Labcorp Genetics (formerly Invitae), Labcorp); PubMed 27620828 (cited by Labcorp Genetics (formerly Invitae), Labcorp); PubMed 22264887 (cited by Labcorp Genetics (formerly Invitae), Labcorp).

NM_001034853.2(RPGR):c.2892_2893del (p.Glu965fs)

Gene: RPGR (retinitis pigmentosa GTPase regulator; minus strand). Cytogenetic location: Xp11.4.
Variant type: Deletion.
Coding change: c.2892_2893del on transcript NM_001034853.2 (MANE Select); coding-DNA positions 2892 to 2893, 2 bases deleted (GG; older notation c.2892_2893delGG).
Protein change: p.Glu965fs; shifts the reading frame from glutamic acid 965.
Molecular consequence: frameshift variant. On other transcripts: intron variant (8).
Genome position (GRCh38, 1-based): chrX:38,286,106-38,286,107, CC deleted on the plus strand (GG on the coding strand, the reverse complement: RPGR is on the minus strand); deleting any 2 consecutive bases within chrX:38,286,106-38,286,109 gives the same sequence; the c. name uses the placement nearest the transcript's 3' end. VCF-style (leftmost placement, unchanged base first): chrX-38286105-TCC-T. GRCh37 (hg19) VCF-style: chrX-38145358-TCC-T.
Other names: c.1569+4852_1569+4853del (NM_001367249.1, NM_001367250.1); c.1902+987_1902+988del (NM_001367245.1); c.1386+4852_1386+4853del (NM_001367251.1); c.1719+987_1719+988del (NM_001367246.1); c.1572+4852_1572+4853del (NM_001367247.1); c.1905+987_1905+988del (NM_000328.3); c.1602+4852_1602+4853del (NM_001367248.1); short protein forms E965fs.
Identifiers: ClinVar variation 867138 (VCV000867138.4), dbSNP rs2067144007, ClinGen allele CA916083880.